The following is an entry in ClinVar:

ClinVar aggregate classification (germline): Pathogenic (1 of 4 stars; one submission).

Conditions:
Familial cancer of breast. Also called: BREAST CANCER, FAMILIAL; hereditary breast carcinoma; Hereditary breast cancer. Identifiers: Orphanet 227535, MedGen C0346153, MONDO:0016419, OMIM 114480. Disease mechanism: loss of function.
Fanconi anemia complementation group J. Also called: BRIP1-Related Fanconi Anemia. Identifiers: Orphanet 84, MedGen C1836860, MONDO:0012187, OMIM 609054.

Submission:

Labcorp Genetics (formerly Invitae), Labcorp
Classification: Pathogenic for Familial cancer of breast; Fanconi anemia complementation group J. Last evaluated: 2023-05-01. Review status: criteria provided, single submitter. Criteria: Invitae Variant Classification Sherloc (09022015). Collection method: clinical testing. Allele origin: germline.
Comment: This sequence change creates a premature translational stop signal (p.Ala80Leufs*21) in the BRIP1 gene. It is expected to result in an absent or disrupted protein product. Loss-of-function variants in BRIP1 are known to be pathogenic (PMID: 16116423, 17033622, 21964575). For these reasons, this variant has been classified as Pathogenic. ClinVar contains an entry for this variant (Variation ID: 1389942). This premature translational stop signal has been observed in individual(s) with breast cancer (PMID: 28486781). This variant is not present in population databases (gnomAD no frequency).

Literature cited by the submitters: PubMed 16116423; PubMed 17033622; PubMed 21964575; PubMed 28486781.

NM_032043.3(BRIP1):c.237del (p.Ala80fs)

Gene: BRIP1 (BRCA1 interacting DNA helicase 1; minus strand). Cytogenetic location: 17q23.2.
Variant type: Deletion.
Coding change: c.237del on transcript NM_032043.3 (MANE Select); coding-DNA position 237, one base deleted (A; older notation c.237delA).
Protein change: p.Ala80fs; shifts the reading frame from alanine 80.
Molecular consequence: frameshift variant.
Genome position (GRCh38, 1-based): chr17:61,857,200, T deleted on the plus strand (A on the coding strand, the reverse complement: BRIP1 is on the minus strand); the first of 5 consecutive T bases (chr17:61,857,200-61,857,204); deleting any one gives the same sequence. VCF-style (leftmost placement, unchanged base first): chr17-61857199-CT-C. GRCh37 (hg19) VCF-style: chr17-59934560-CT-C.
Other names: short protein forms A80fs.
Identifiers: ClinVar variation 1389942 (VCV001389942.9), dbSNP rs2145830843, ClinGen allele CA2573154335.